The following is an entry in ClinVar:

ClinVar aggregate classification (germline): Pathogenic (1 of 4 stars; one submission).

Conditions:
Holoprosencephaly 9 (HPE9). Also called: HOLOPROSENCEPHALY WITH MICROPHTHALMIA AND FIRST BRANCHIAL ARCH ANOMALIES; PITUITARY ANOMALIES WITH HOLOPROSENCEPHALY-LIKE FEATURES. Identifiers: Orphanet 2162, MedGen C1835819, MONDO:0012563, OMIM 610829.
Postaxial polydactyly-anterior pituitary anomalies-facial dysmorphism syndrome. Also called: Culler-Jones syndrome. Identifiers: Orphanet 420584, MedGen C4014479, MONDO:0014369, OMIM 615849.

Submission:

Labcorp Genetics (formerly Invitae), Labcorp
Classification: Pathogenic for Postaxial polydactyly-anterior pituitary anomalies-facial dysmorphism syndrome; Holoprosencephaly 9. Last evaluated: 2019-09-13. Review status: criteria provided, single submitter. Criteria: Invitae Variant Classification Sherloc (09022015). Collection method: clinical testing. Allele origin: germline.
Comment: Loss-of-function variants in GLI2 are known to be pathogenic (PMID: 20685856, 10725236, 15994174, 14581620). For these reasons, this variant has been classified as Pathogenic. This variant has not been reported in the literature in individuals with GLI2-related conditions. This variant is not present in population databases (ExAC no frequency). This sequence change creates a premature translational stop signal (p.Arg264Valfs*74) in the GLI2 gene. It is expected to result in an absent or disrupted protein product.

Literature cited by the submitters: PubMed 20685856; PubMed 10725236; PubMed 15994174; PubMed 14581620.

NM_001374353.1(GLI2):c.789_826del (p.Arg264fs)

Gene: GLI2 (GLI family zinc finger 2; plus strand). Cytogenetic location: 2q14.2.
Variant type: Deletion.
Coding change: c.789_826del on transcript NM_001374353.1 (MANE Select); coding-DNA positions 789 to 826, 38 bases deleted.
Protein change: p.Arg264fs; shifts the reading frame from arginine 264.
Molecular consequence: frameshift variant.
Genome position (GRCh38, 1-based): chr2:120,968,859-120,968,896, 38 bases deleted; deleting any 38 consecutive bases within chr2:120,968,857-120,968,896 gives the same sequence; the c. name uses the placement nearest the transcript's 3' end. GRCh37 (hg19): chr2:121,726,435-121,726,472.
Other names: c.789_826del, p.Arg264fs (NM_001371271.1, NM_005270.5); c.414_451del, p.Arg139fs (NM_001374354.1); short protein forms R264fs, R139fs.
Identifiers: ClinVar variation 962182 (VCV000962182.7), dbSNP rs1681993062, ClinGen allele CA1139657206.
Genomic context (GRCh38, chr2:120,968,856, plus strand): 5'-CCTGGACCTGCAGCGGATGATCCGCACCTCACCCAACTCGCTAGTGGCCTACATCAACAA[CTCCCGAAGCAGCTCGGCGGCCAGCGGTTCCTACGGGCA>C]TCTGTCAGCGGGTGCCCTCAGGTGAGCCCCGCCTGCAAGCAGAGAGCTGAGGACCAGAGC-3'